The following is an entry in ClinVar:

ClinVar aggregate classification (germline): Uncertain significance. Review status: criteria provided, multiple submitters, no conflicts (2 of 4 stars). 2 submissions from 2 submitters: Uncertain significance (2). Last evaluated 2024-07-10.

gnomAD v4.1: 163 of 1,613,660 alleles (0.01%); highest among the groups gnomAD compares: Non-Finnish European, 0.013%; no homozygotes.

Submissions (2):

Labcorp Genetics (formerly Invitae), Labcorp
Classification: Uncertain significance. Last evaluated: 2024-07-10. Review status: criteria provided, single submitter. Criteria: Invitae Variant Classification Sherloc (09022015). Collection method: clinical testing. Allele origin: germline.
Comment: This sequence change replaces serine, which is neutral and polar, with arginine, which is basic and polar, at codon 284 of the FLRT3 protein (p.Ser284Arg). This variant is present in population databases (rs751523905, gnomAD 0.008%). This variant has not been reported in the literature in individuals affected with FLRT3-related conditions. Advanced modeling of protein sequence and biophysical properties (such as structural, functional, and spatial information, amino acid conservation, physicochemical variation, residue mobility, and thermodynamic stability) performed at Invitae indicates that this missense variant is not expected to disrupt FLRT3 protein function with a negative predictive value of 80%. In summary, the available evidence is currently insufficient to determine the role of this variant in disease. Therefore, it has been classified as a Variant of Uncertain Significance.

Ambry Genetics
Classification: Uncertain significance. Last evaluated: 2024-04-06. Review status: criteria provided, single submitter. Criteria: Ambry Variant Classification Scheme 2023. Collection method: clinical testing. Allele origin: germline.

NM_198391.3(FLRT3):c.852T>A (p.Ser284Arg)

Genes: FLRT3 (fibronectin leucine rich transmembrane protein 3; minus strand), MACROD2 (mono-ADP ribosylhydrolase 2; plus strand). Cytogenetic location: 20p12.1.
Variant type: single nucleotide variant.
Coding change: c.852T>A on transcript NM_198391.3 (MANE Select); coding-DNA position 852, T replaced by A.
Protein change: p.Ser284Arg; replaces serine 284 with arginine.
Molecular consequence: missense variant. On other transcripts: intron variant (3).
Genome position (GRCh38, 1-based): chr20:14,326,655, A>T on the plus strand (T>A on the coding strand, the complement: FLRT3 is on the minus strand). VCF-style: chr20-14326655-A-T. GRCh37 (hg19) VCF-style: chr20-14307301-A-T.
Other names: c.852T>A, p.Ser284Arg (NM_013281.4); c.272-166824A>T (NM_001351661.2, NM_001351663.2, NM_080676.6); short protein forms S284R.
Identifiers: ClinVar variation 3279250 (VCV003279250.3).